The following is an entry in ClinVar:

NM_000515.5(GH1):c.456G>A (p.Gly152=)

Genes: GH-LCR (growth hormone locus control region; plus strand), GH1 (growth hormone 1; minus strand). Cytogenetic location: 17q23.3.
Variant type: single nucleotide variant.
Coding change: c.456G>A on transcript NM_000515.5 (MANE Select); coding-DNA position 456, G replaced by A.
Protein change: p.Gly152=; no amino-acid change (glycine 152 retained).
Molecular consequence: synonymous variant.
Genome position (GRCh38, 1-based): chr17:63,917,760, C>T on the plus strand (G>A on the coding strand, the complement: GH1 is on the minus strand). VCF-style: chr17-63917760-C-T. GRCh37 (hg19) VCF-style: chr17-61995120-C-T.
Other names: c.411G>A, p.Gly137= (NM_022559.4); c.336G>A, p.Gly112= (NM_022560.4).
Identifiers: ClinVar variation 3896289 (VCV003896289.2).

ClinVar aggregate classification (germline): Uncertain significance (1 of 4 stars; one submission).

Submission:

Women's Health and Genetics/Laboratory Corporation of America, LabCorp
Classification: Uncertain significance. Last evaluated: 2025-04-14. Review status: criteria provided, single submitter. Criteria: LabCorp Variant Classification Summary - May 2015. Collection method: clinical testing. Allele origin: germline.
Comment: Variant summary: GH1 c.456G>A (p.Gly152Gly) alters a non-conserved nucleotide located close to a canonical splice site and therefore could affect mRNA splicing, leading to a significantly altered protein sequence. Several computational tools predict a significant impact on normal splicing: Two predict the variant weakens the canonical 5' donor site. One predict the variant abolishes the canonical 5' splicing donor site. One predict the variant no significant impact on splicing. However, these predictions have yet to be confirmed by functional studies. The variant allele was found at a frequency of 4e-06 in 251440 control chromosomes. The available data on variant occurrences in the general population are insufficient to allow any conclusion about variant significance. c.456G>A has been observed in one individual affected with Idiopathic Growth Hormone Deficiency (Fofanova_2006). These report(s) do not provide unequivocal conclusions about association of the variant with Idiopathic Growth Hormone Deficiency. To our knowledge, no experimental evidence demonstrating an impact on protein function has been reported. The following publications have been ascertained in the context of this evaluation (PMID: 17073157, 17178704). No submitters have cited clinical-significance assessments for this variant to ClinVar. Based on the evidence outlined above, the variant was classified as uncertain significance.

Literature cited by the submitters: PubMed 17178704; PubMed 17073157.